The following is an entry in ClinVar:

NM_001849.4(COL6A2):c.847G>A (p.Gly283Arg)

Gene: COL6A2 (collagen type VI alpha 2 chain; plus strand). Cytogenetic location: 21q22.3.
Variant type: single nucleotide variant.
Coding change: c.847G>A on transcript NM_001849.4 (MANE Select); coding-DNA position 847, G replaced by A.
Protein change: p.Gly283Arg; replaces glycine 283 with arginine.
Molecular consequence: missense variant.
Genome position (GRCh38, 1-based): chr21:46,115,917, G>A. VCF-style: chr21-46115917-G-A. GRCh37 (hg19) VCF-style: chr21-47535831-G-A.
Other names: c.847G>A, p.Gly283Arg (NM_058174.3, NM_058175.3); short protein forms G283R.
Identifiers: ClinVar variation 17167 (VCV000017167.16), dbSNP rs267606748, ClinGen allele CA127112.

ClinVar aggregate classification (germline): Pathogenic. Review status: criteria provided, multiple submitters, no conflicts (2 of 4 stars). 5 submissions from 5 submitters: Pathogenic (3). 2 of the submissions do not count toward it. Last evaluated 2024-10-25.

Conditions:
COL6A2-related disorder.
Ullrich congenital muscular dystrophy 1B (UCMD1B). Identifiers: MedGen C5935582, MONDO:0958235, OMIM 620727.
Ullrich congenital muscular dystrophy 1A. Also called: Intermediate COL6-RD; Ullrich congenital muscular dystrophy 1. Identifiers: Orphanet 75840, MedGen C0410179, MONDO:0009681, OMIM 254090.
Bethlem myopathy 1A. Also called: Bethlem Muscular Dystrophy; MYOPATHY, BENIGN CONGENITAL, WITH CONTRACTURES; Bethlem myopathy 1. Identifiers: Orphanet 610, MedGen CN029274, MONDO:0024530, OMIM 158810.

Submissions (5):

Women's Health and Genetics/Laboratory Corporation of America, LabCorp
Classification: Pathogenic for Ullrich congenital muscular dystrophy 1A. Last evaluated: 2024-10-25. Review status: criteria provided, single submitter. Criteria: LabCorp Variant Classification Summary - May 2015. Collection method: clinical testing. Allele origin: germline.
Comment: Variant summary: COL6A2 c.847G>A (p.Gly283Arg) results in a non-conservative amino acid change located in the Collagen triple helix repeat (IPR008160) of the encoded protein sequence. Five of five in-silico tools predict a damaging effect of the variant on protein function. The variant was absent in 249228 control chromosomes (gnomAD). c.847G>A has been reported in the literature in at least 3 heterozygous individuals affected with (or symptoms suggestive of) Ullrich congenital muscular dystrophy (e.g. Lampe_2005, Nadeau_2009, Brinas_2010, Foley_2013, and in an Internal LCA patient), and in multiple patients the variant was noted to be a de novo occurrence. These data indicate that the variant may be associated with disease. To our knowledge, no experimental evidence demonstrating an impact on protein function has been reported. The following publications have been ascertained in the context of this evaluation (PMID: 15689448, 19564581, 20976770, 24271325). ClinVar contains an entry for this variant (Variation ID: 17167). Based on the evidence outlined above, the variant was classified as pathogenic.

Labcorp Genetics (formerly Invitae), Labcorp
Classification: Pathogenic for Bethlem myopathy 1A. Last evaluated: 2022-03-21. Review status: criteria provided, single submitter. Criteria: Invitae Variant Classification Sherloc (09022015). Collection method: clinical testing. Allele origin: germline.
Comment: For these reasons, this variant has been classified as Pathogenic. This variant disrupts the triple helix domain of COL6A2. Glycine residues within the Gly-Xaa-Yaa repeats of the triple helix domain are required for the structure and stability of fibrillar collagens (PMID: 7695699, 8218237, 19344236). In COL6A2, missense variants at these glycine residues are significantly enriched in individuals with autosomal dominant disease (PMID: 15689448, 24038877) compared to the general population (ExAC). Advanced modeling of protein sequence and biophysical properties (such as structural, functional, and spatial information, amino acid conservation, physicochemical variation, residue mobility, and thermodynamic stability) performed at Invitae indicates that this missense variant is expected to disrupt COL6A2 protein function. ClinVar contains an entry for this variant (Variation ID: 17167). This missense change has been observed in individual(s) with autosomal dominant Ullrich congenital muscular dystrophy (PMID: 24038877). In at least one individual the variant was observed to be de novo. This variant is not present in population databases (gnomAD no frequency). This sequence change replaces glycine, which is neutral and non-polar, with arginine, which is basic and polar, at codon 283 of the COL6A2 protein (p.Gly283Arg).

Blueprint Genetics
Classification: Pathogenic for COL6A2-related disorders. Last evaluated: 2020-01-21. Review status: criteria provided, single submitter. Criteria: ACMG Guidelines, 2015. Collection method: clinical testing. Allele origin: germline. Affected: yes. Observed: 1 variant allele.

OMIM
Classification: Pathogenic for ULLRICH CONGENITAL MUSCULAR DYSTROPHY 1B, AUTOSOMAL DOMINANT. Last evaluated: 2009-07-07. Review status: no assertion criteria provided. Collection method: literature only. Allele origin: germline. Not counted in ClinVar's aggregate classification.

Eurofins Ntd Llc (ga)
Classification: Uncertain significance. Last evaluated: 2016-06-06. Review status: flagged submission. Criteria: EGL Classification Definitions 2015. Collection method: clinical testing. Allele origin: germline. Observed: 1 variant allele, 1 heterozygote. Not counted in ClinVar's aggregate classification.
ClinVar note: Reason: Claim with insufficient supporting evidence

Literature cited by the submitters: PubMed 20976770 (cited by Women's Health and Genetics/Laboratory Corporation of America, LabCorp); PubMed 24271325 (cited by Women's Health and Genetics/Laboratory Corporation of America, LabCorp); PubMed 15689448 (cited by Women's Health and Genetics/Laboratory Corporation of America, LabCorp and Labcorp Genetics (formerly Invitae), Labcorp); PubMed 19564581 (cited by Women's Health and Genetics/Laboratory Corporation of America, LabCorp and OMIM); PubMed 7695699 (cited by Labcorp Genetics (formerly Invitae), Labcorp); PubMed 8218237 (cited by Labcorp Genetics (formerly Invitae), Labcorp); PubMed 19344236 (cited by Labcorp Genetics (formerly Invitae), Labcorp); PubMed 24038877 (cited by Labcorp Genetics (formerly Invitae), Labcorp).